The following is an entry in ClinVar:

NM_017649.5(CNNM2):c.1300A>G (p.Ile434Val)

Gene: CNNM2 (cyclin and CBS domain divalent metal cation transport mediator 2; plus strand). Cytogenetic location: 10q24.32.
Variant type: single nucleotide variant.
Coding change: c.1300A>G on transcript NM_017649.5 (MANE Select); coding-DNA position 1300, A replaced by G.
Protein change: p.Ile434Val; replaces isoleucine 434 with valine.
Molecular consequence: missense variant.
Genome position (GRCh38, 1-based): chr10:102,919,780, A>G. VCF-style: chr10-102919780-A-G. GRCh37 (hg19) VCF-style: chr10-104679537-A-G.
Other names: p.Ile434Val; c.1300A>G, p.Ile434Val (NM_199076.3, NM_199077.3); short protein forms I434V.
Identifiers: ClinVar variation 4541588 (VCV004541588.1).
Genomic context (GRCh38, chr10:102,919,780, plus strand): 5'-CTGCTGGAGATGCTCCGGGTCACCGATCCCTACAACGACCTCGTTAAGGAGGAGCTGAAC[A>G]TCATCCAAGGGGCGCTGGAGCTCCGCACCAAGACGGTGGAGGACGTGATGACCCCACTCC-3'
Protein context (NP_060119.3, residues 424-444): YNDLVKEELN[Ile434Val]IQGALELRTK

ClinVar aggregate classification (germline): Uncertain significance (1 of 4 stars; one submission).

Submission:

Mayo Clinic Laboratories, Mayo Clinic
Classification: Uncertain significance. Last evaluated: 2025-05-25. Review status: criteria provided, single submitter. Criteria: ACMG Guidelines, 2015. Collection method: clinical testing. Allele origin: germline. Observed: 1 variant allele.
Comment: PM2_supporting